The following is an entry in ClinVar:

ClinVar aggregate classification (germline): Uncertain significance (1 of 4 stars; one submission).

Allele frequency attached by ClinVar (database versions not stated): 1000 Genomes Project 30x 0.00016; 1000 Genomes Project 0.00020; gnomAD exomes 0.00002; gnomAD 0.00004.
gnomAD v4.1: 36 of 1,603,588 alleles (0.0022%); highest among the groups gnomAD compares: Non-Finnish European, 0.0031%; no homozygotes.

Submission:

Ambry Genetics
Classification: Uncertain significance. Last evaluated: 2024-11-21. Review status: criteria provided, single submitter. Criteria: Ambry Variant Classification Scheme 2023. Collection method: clinical testing. Allele origin: germline.
Comment: The p.H1485R variant (also known as c.4454A>G), located in coding exon 19 of the WNK2 gene, results from an A to G substitution at nucleotide position 4454. The histidine at codon 1485 is replaced by arginine, an amino acid with highly similar properties. This amino acid position is conserved. In addition, this alteration is predicted to be tolerated by in silico analysis. Based on the available evidence, the clinical significance of this variant remains unclear.

NM_006648.4(WNK2):c.4454A>G (p.His1485Arg)

Gene: WNK2 (WNK lysine deficient protein kinase 2; plus strand). Cytogenetic location: 9q22.31.
Variant type: single nucleotide variant.
Coding change: c.4454A>G on transcript NM_006648.4 (MANE Select); coding-DNA position 4454, A replaced by G.
Protein change: p.His1485Arg; replaces histidine 1485 with arginine.
Molecular consequence: missense variant.
Genome position (GRCh38, 1-based): chr9:93,289,208, A>G. VCF-style: chr9-93289208-A-G. GRCh37 (hg19) VCF-style: chr9-96051490-A-G.
Other names: c.4565A>G, p.His1522Arg (NM_001282394.3); short protein forms H1485R, H1522R.
Identifiers: ClinVar variation 2377359 (VCV002377359.3), dbSNP rs577622915, ClinGen allele CA5130329.